The following is an entry in ClinVar:

ClinVar aggregate classification (germline): Pathogenic (1 of 4 stars; one submission).

Conditions:
Congenital lactic acidosis, Saguenay-Lac-Saint-Jean type (MC4DN5). Also called: CYTOCHROME c OXIDASE DEFICIENCY, FRENCH CANADIAN TYPE; COX DEFICIENCY, FRENCH CANADIAN TYPE; MITOCHONDRIAL COMPLEX IV DEFICIENCY, NUCLEAR TYPE 5. Identifiers: Orphanet 70472, MedGen C1857355, MONDO:0009069, OMIM 220111.

Submission:

Myriad Genetics, Inc.
Classification: Pathogenic for Congenital lactic acidosis, Saguenay-Lac-Saint-Jean type. Last evaluated: 2026-01-22. Review status: criteria provided, single submitter. Criteria: Myriad Autosomal Dominant, Autosomal Recessive and X-Linked Classification Criteria (2023). Collection method: clinical testing. Allele origin: unknown.
Comment: NM_133259.3(LRPPRC):c.3685C>T(Q1229*) is expected to be pathogenic in the context of Leigh syndrome, French-Canadian type. This variant is predicted to lead to an abnormal or absent protein product due to the creation of a premature termination codon in LRPPRC, a gene where loss-of-function variants are known to be pathogenic. Please note: this variant was assessed in the context of healthy population screening.

NM_133259.4(LRPPRC):c.3685C>T (p.Gln1229Ter)

Gene: LRPPRC (leucine rich pentatricopeptide repeat containing; minus strand). Cytogenetic location: 2p21.
Variant type: single nucleotide variant.
Coding change: c.3685C>T on transcript NM_133259.4 (MANE Select); coding-DNA position 3685, C replaced by T.
Protein change: p.Gln1229Ter; replaces glutamine 1229 with a stop codon.
Molecular consequence: nonsense.
Genome position (GRCh38, 1-based): chr2:43,899,490, G>A on the plus strand (C>T on the coding strand, the complement: LRPPRC is on the minus strand). VCF-style: chr2-43899490-G-A. GRCh37 (hg19) VCF-style: chr2-44126629-G-A.
Other names: short protein forms Q1229*.
Identifiers: ClinVar variation 5015468 (VCV005015468.1).